The following is an entry in ClinVar:

ClinVar aggregate classification (germline): Uncertain significance. Review status: criteria provided, multiple submitters, no conflicts (2 of 4 stars). 4 submissions from 4 submitters: Uncertain significance (2). 2 of the submissions do not count toward it. Last evaluated 2024-09-03.

Allele frequency attached by ClinVar (database versions not stated): ExAC 0.00002; gnomAD exomes 0.00003 and 0.00005; TOPMed 0.00003; gnomAD 0.00006; ESP Exome Variant Server 0.00013.

Submissions (4):

Ambry Genetics
Classification: Uncertain significance. Last evaluated: 2024-09-03. Review status: criteria provided, single submitter. Criteria: Ambry Variant Classification Scheme 2023. Collection method: clinical testing. Allele origin: germline.

Labcorp Genetics (formerly Invitae), Labcorp
Classification: Uncertain significance. Last evaluated: 2022-09-07. Review status: criteria provided, single submitter. Criteria: Invitae Variant Classification Sherloc (09022015). Collection method: clinical testing. Allele origin: germline.
Comment: In summary, the available evidence is currently insufficient to determine the role of this variant in disease. Therefore, it has been classified as a Variant of Uncertain Significance. Algorithms developed to predict the effect of missense changes on protein structure and function are either unavailable or do not agree on the potential impact of this missense change (SIFT: "Deleterious"; PolyPhen-2: "Probably Damaging"; Align-GVGD: "Class C0"). ClinVar contains an entry for this variant (Variation ID: 1297532). This variant has not been reported in the literature in individuals affected with SLC39A7-related conditions. This variant is present in population databases (rs373509303, gnomAD 0.006%). This sequence change replaces leucine, which is neutral and non-polar, with histidine, which is basic and polar, at codon 193 of the SLC39A7 protein (p.Leu193His).

Clinical Genetics DNA and cytogenetics Diagnostics Lab, Erasmus MC, Erasmus Medical Center
Classification: Uncertain significance. Review status: no assertion criteria provided. Collection method: clinical testing. Allele origin: germline. Affected: yes. Study: VKGL Data-share Consensus. Not counted in ClinVar's aggregate classification.

Joint Genome Diagnostic Labs from Nijmegen and Maastricht, Radboudumc and MUMC+
Classification: Uncertain significance. Review status: no assertion criteria provided. Collection method: clinical testing. Allele origin: germline. Affected: yes. Study: VKGL Data-share Consensus. Not counted in ClinVar's aggregate classification.

NM_006979.3(SLC39A7):c.578T>A (p.Leu193His)

Gene: SLC39A7 (solute carrier family 39 member 7; plus strand). Cytogenetic location: 6p21.32.
Variant type: single nucleotide variant.
Coding change: c.578T>A on transcript NM_006979.3 (MANE Select); coding-DNA position 578, T replaced by A.
Protein change: p.Leu193His; replaces leucine 193 with histidine.
Molecular consequence: missense variant.
Genome position (GRCh38, 1-based): chr6:33,201,911, T>A. VCF-style: chr6-33201911-T-A. GRCh37 (hg19) VCF-style: chr6-33169688-T-A.
Other names: c.578T>A, p.Leu193His (NM_001077516.2); c.203T>A, p.Leu68His (NM_001288777.2); c.578T>A (NM_006979.2); short protein forms L193H, L68H.
Identifiers: ClinVar variation 1297532 (VCV001297532.11), dbSNP rs373509303, ClinGen allele CA3752276.